The following is an entry in ClinVar:

ClinVar aggregate classification (germline): Pathogenic (1 of 4 stars; one submission).

Conditions:
Familial adenomatous polyposis 1 (FAP1). Also called: FAMILIAL ADENOMATOUS POLYPOSIS 1, ATTENUATED; POLYPOSIS, ADENOMATOUS INTESTINAL. Identifiers: MedGen C2713442, MONDO:0021056, OMIM 175100. Disease mechanism: loss of function.

Submission:

Myriad Genetics, Inc.
Classification: Pathogenic for Familial adenomatous polyposis 1. Last evaluated: 2023-04-27. Review status: criteria provided, single submitter. Criteria: Myriad Autosomal Dominant, Autosomal Recessive and X-Linked Classification Criteria (2023). Collection method: clinical testing. Allele origin: unknown.
Comment: This variant is considered pathogenic. This variant creates a frameshift predicted to result in premature protein truncation.

NM_000038.6(APC):c.586dup (p.Ile196fs)

Gene: APC (APC regulator of Wnt signaling pathway; plus strand). Cytogenetic location: 5q22.2.
Variant type: Duplication.
Coding change: c.586dup on transcript NM_000038.6 (MANE Select); coding-DNA position 586, one base duplicated (A; older notation c.586dupA).
Protein change: p.Ile196fs; shifts the reading frame from isoleucine 196.
Molecular consequence: frameshift variant. On other transcripts: 5 prime UTR variant (4), non-coding transcript variant (2).
Genome position (GRCh38, 1-based): chr5:112,780,844, A duplicated; the last of 3 consecutive A bases (chr5:112,780,842-112,780,844); duplicating any one gives the same sequence. VCF-style (leftmost placement, unchanged base first): chr5-112780841-C-CA. GRCh37 (hg19) VCF-style: chr5-112116538-C-CA.
Other names: c.586dup, p.Ile196fs (NM_001127510.3, NM_001354895.2, NM_001354896.2 and 16 more transcripts); c.616dup, p.Ile206fs (NM_001127511.3, NM_001354897.2, NM_001354902.2 and 1 more transcripts); c.511dup, p.Ile171fs (NM_001354898.2, NM_001354904.2, NM_001407451.1); c.409dup, p.Ile137fs (NM_001354900.2, NM_001354901.2, NM_001354905.2 and 1 more transcripts); c.-450dup (NM_001354906.2, NM_001407470.1, NM_001407471.1 and 1 more transcripts); short protein forms I137fs, I171fs, I196fs, I206fs.
Identifiers: ClinVar variation 2584023 (VCV002584023.1), dbSNP rs2532487218, ClinGen allele CA2582341600.